The following is an entry in ClinVar:

ClinVar aggregate classification (germline): Uncertain significance (1 of 4 stars; one submission).

Submission:

Women's Health and Genetics/Laboratory Corporation of America, LabCorp
Classification: Uncertain significance. Last evaluated: 2025-05-02. Review status: criteria provided, single submitter. Criteria: LabCorp Variant Classification Summary - May 2015. Collection method: clinical testing. Allele origin: germline.
Comment: Variant summary: PKD1 c.208A>C (p.Thr70Pro) results in a non-conservative amino acid change in the encoded protein sequence. Two of four in-silico tools predict a benign effect of the variant on protein function. The variant was absent in 29506 control chromosomes. The available data on variant occurrences in the general population are insufficient to allow any conclusion about variant significance. c.208A>C has been observed in an individual from a PKD cohort (Heyer_2016). This report does not provide unequivocal conclusions about association of the variant with PKD1-Biallelic Autosomal Recessive Polycystic Kidney Disease. To our knowledge, no experimental evidence demonstrating an impact on protein function has been reported. The following publication has been ascertained in the context of this evaluation (PMID: 26823553). No submitters have cited clinical-significance assessments for this variant to ClinVar. Based on the evidence outlined above, the variant was classified as uncertain significance.

Literature cited by the submitters: PubMed 26823553.

NM_001009944.3(PKD1):c.208A>C (p.Thr70Pro)

Gene: PKD1 (polycystin 1, transient receptor potential channel interacting; minus strand). Cytogenetic location: 16p13.3.
Variant type: single nucleotide variant.
Coding change: c.208A>C on transcript NM_001009944.3 (MANE Select); coding-DNA position 208, A replaced by C.
Protein change: p.Thr70Pro; replaces threonine 70 with proline.
Molecular consequence: missense variant.
Genome position (GRCh38, 1-based): chr16:2,135,482, T>G on the plus strand (A>C on the coding strand, the complement: PKD1 is on the minus strand). VCF-style: chr16-2135482-T-G. GRCh37 (hg19) VCF-style: chr16-2185483-T-G.
Other names: c.208A>C, p.Thr70Pro (NM_000296.4); short protein forms T70P.
Identifiers: ClinVar variation 3902586 (VCV003902586.1).